The following is an entry in ClinVar:

ClinVar aggregate classification (germline): Pathogenic (1 of 4 stars; one submission).

Conditions:
Hereditary cancer-predisposing syndrome. Also called: Hereditary neoplastic syndrome; Hereditary Cancer Syndrome; Neoplastic Syndromes, Hereditary; Tumor predisposition. Identifiers: Orphanet 140162, MedGen C0027672, MeSH D009386, MONDO:0015356.

Submission:

Ambry Genetics
Classification: Pathogenic for Hereditary cancer-predisposing syndrome. Last evaluated: 2015-01-05. Review status: criteria provided, single submitter. Criteria: Ambry Autosomal Dominant and X-Linked criteria (10/2015). Collection method: clinical testing. Allele origin: germline. Observed: 1 variant allele.
Comment: The c.2589_2592delTAGC pathogenic mutation, located in coding exon 21 of the NF1 gene, results from a deletion of 4 nucleotides between positions 2589 and 2592, causing a translational frameshift with a predicted alternate stop codon. Since frameshifts are typically deleterious in nature, this alteration is interpreted as a disease-causing mutation (ACMG Recommendations for Standards for Interpretation and Reporting of Sequence Variations. Revision 2007. Genet Med. 2008;10:294).

NM_001042492.3(NF1):c.2589_2592del (p.Ser864fs)

Gene: NF1 (neurofibromin 1; plus strand). Cytogenetic location: 17q11.2.
Variant type: Deletion.
Coding change: c.2589_2592del on transcript NM_001042492.3 (MANE Select); coding-DNA positions 2589 to 2592, 4 bases deleted (TAGC; older notation c.2589_2592delTAGC).
Protein change: p.Ser864fs; shifts the reading frame from serine 864.
Molecular consequence: frameshift variant.
Genome position (GRCh38, 1-based): chr17:31,229,204-31,229,207, TAGC deleted. VCF-style (leftmost placement, unchanged base first): chr17-31229203-ATAGC-A. GRCh37 (hg19) VCF-style: chr17-29556221-ATAGC-A.
Other names: c.2589_2592delTAGC, p.Ser864Hisfs (NM_000267.4); short protein forms S864fs.
Identifiers: ClinVar variation 229804 (VCV000229804.3), dbSNP rs876658207, ClinGen allele CA10580259.